The following is an entry in ClinVar:

ClinVar aggregate classification (germline): Uncertain significance (1 of 4 stars; one submission).

Allele frequency attached by ClinVar (database versions not stated): TOPMed 0.00001.

Submission:

Labcorp Genetics (formerly Invitae), Labcorp
Classification: Uncertain significance. Last evaluated: 2022-08-07. Review status: criteria provided, single submitter. Criteria: Invitae Variant Classification Sherloc (09022015). Collection method: clinical testing. Allele origin: germline.
Comment: This sequence change replaces phenylalanine, which is neutral and non-polar, with isoleucine, which is neutral and non-polar, at codon 1623 of the EYS protein (p.Phe1623Ile). This variant is not present in population databases (gnomAD no frequency). This variant has not been reported in the literature in individuals affected with EYS-related conditions. Algorithms developed to predict the effect of missense changes on protein structure and function output the following: SIFT: "Deleterious"; PolyPhen-2: "Benign"; Align-GVGD: "Class C0". The isoleucine amino acid residue is found in multiple mammalian species, which suggests that this missense change does not adversely affect protein function. In summary, the available evidence is currently insufficient to determine the role of this variant in disease. Therefore, it has been classified as a Variant of Uncertain Significance.

NM_001142800.2(EYS):c.4867T>A (p.Phe1623Ile)

Gene: EYS (eyes shut homolog; minus strand). Cytogenetic location: 6q12.
Variant type: single nucleotide variant.
Coding change: c.4867T>A on transcript NM_001142800.2 (MANE Select); coding-DNA position 4867, T replaced by A.
Protein change: p.Phe1623Ile; replaces phenylalanine 1623 with isoleucine.
Molecular consequence: missense variant.
Genome position (GRCh38, 1-based): chr6:64,591,000, A>T on the plus strand (T>A on the coding strand, the complement: EYS is on the minus strand). VCF-style: chr6-64591000-A-T. GRCh37 (hg19) VCF-style: chr6-65300893-A-T.
Other names: c.4867T>A, p.Phe1623Ile (NM_001292009.2); short protein forms F1623I.
Identifiers: ClinVar variation 1715481 (VCV001715481.3), dbSNP rs1305591861, ClinGen allele CA364782369.